The following is an entry in ClinVar:

ClinVar aggregate classification (germline): Uncertain significance (1 of 4 stars; one submission).

Conditions:
Dilated cardiomyopathy 1G (CMD1G). Identifiers: Orphanet 154, MedGen C1858763, MONDO:0011400, OMIM 604145.
Autosomal recessive limb-girdle muscular dystrophy type 2J (LGMDR10). Also called: Limb-girdle muscular dystrophy, type 2J; MUSCULAR DYSTROPHY, LIMB-GIRDLE, AUTOSOMAL RECESSIVE 10. Identifiers: Orphanet 140922, MedGen C1837342, MONDO:0012127, OMIM 608807.

Allele frequency attached by ClinVar (database versions not stated): TOPMed below 0.00001.

Submission:

Labcorp Genetics (formerly Invitae), Labcorp
Classification: Uncertain significance for Dilated cardiomyopathy 1G; Autosomal recessive limb-girdle muscular dystrophy type 2J. Last evaluated: 2024-02-23. Review status: criteria provided, single submitter. Criteria: Invitae Variant Classification Sherloc (09022015). Collection method: clinical testing. Allele origin: germline.
Comment: This sequence change replaces tryptophan, which is neutral and slightly polar, with arginine, which is basic and polar, at codon 30667 of the TTN protein (p.Trp30667Arg). This variant is not present in population databases (gnomAD no frequency). This missense change has been observed in individual(s) with dilated cardiomyopathy (PMID: 26567375). ClinVar contains an entry for this variant (Variation ID: 1042795). Experimental studies and prediction algorithms are not available or were not evaluated, and the functional significance of this variant is currently unknown. This variant is located in the A band of TTN (PMID: 25589632). Variants in this region may be relevant for cardiac or neuromuscular disorders (PMID: 25589632, 23975875). In summary, the available evidence is currently insufficient to determine the role of this variant in disease. Therefore, it has been classified as a Variant of Uncertain Significance.

Literature cited by the submitters: PubMed 26567375; PubMed 25589632; PubMed 23975875.

NM_001267550.2(TTN):c.91999T>C (p.Trp30667Arg)

Genes: TTN (titin; minus strand), TTN-AS1 (TTN antisense RNA 1; plus strand). Cytogenetic location: 2q31.2.
Variant type: single nucleotide variant.
Coding change: c.91999T>C on transcript NM_001267550.2 (MANE Select); coding-DNA position 91999, T replaced by C.
Protein change: p.Trp30667Arg; replaces tryptophan 30667 with arginine.
Molecular consequence: missense variant.
Genome position (GRCh38, 1-based): chr2:178,549,723, A>G on the plus strand (T>C on the coding strand, the complement: TTN is on the minus strand). VCF-style: chr2-178549723-A-G. GRCh37 (hg19) VCF-style: chr2-179414450-A-G.
Other names: c.87076T>C, p.Trp29026Arg (NM_001256850.1); c.64804T>C, p.Trp21602Arg (NM_003319.4); c.84295T>C, p.Trp28099Arg (NM_133378.4); c.65179T>C, p.Trp21727Arg (NM_133432.3); c.65380T>C, p.Trp21794Arg (NM_133437.4); short protein forms W21794R, W21602R, W21727R, W29026R, W30667R, W28099R.
Identifiers: ClinVar variation 1042795 (VCV001042795.9), dbSNP rs72648246, ClinGen allele CA349495126.